The following is an entry in ClinVar:

NM_001046.3(SLC12A2):c.1780A>G (p.Ser594Gly)

Gene: SLC12A2 (solute carrier family 12 member 2; plus strand). Cytogenetic location: 5q23.3.
Variant type: single nucleotide variant.
Coding change: c.1780A>G on transcript NM_001046.3 (MANE Select); coding-DNA position 1780, A replaced by G.
Protein change: p.Ser594Gly; replaces serine 594 with glycine.
Molecular consequence: missense variant. On other transcripts: non-coding transcript variant (1).
Genome position (GRCh38, 1-based): chr5:128,147,628, A>G. VCF-style: chr5-128147628-A-G. GRCh37 (hg19) VCF-style: chr5-127483320-A-G.
Other names: c.1780A>G, p.Ser594Gly (NM_001256461.2); short protein forms S594G.
Identifiers: ClinVar variation 3605036 (VCV003605036.2).

ClinVar aggregate classification (germline): Uncertain significance (1 of 4 stars; one submission).

gnomAD v4.1: 1 of 1,594,654 alleles (0.000063%); highest among the groups gnomAD compares: Non-Finnish European, 0.000086%; no homozygotes.

Submission:

Labcorp Genetics (formerly Invitae), Labcorp
Classification: Uncertain significance. Last evaluated: 2025-01-13. Review status: criteria provided, single submitter. Criteria: Invitae Variant Classification Sherloc (09022015). Collection method: clinical testing. Allele origin: germline.
Comment: This sequence change replaces serine, which is neutral and polar, with glycine, which is neutral and non-polar, at codon 594 of the SLC12A2 protein (p.Ser594Gly). This variant is not present in population databases (gnomAD no frequency). This variant has not been reported in the literature in individuals affected with SLC12A2-related conditions. Invitae Evidence Modeling of protein sequence and biophysical properties (such as structural, functional, and spatial information, amino acid conservation, physicochemical variation, residue mobility, and thermodynamic stability) indicates that this missense variant is not expected to disrupt SLC12A2 protein function with a negative predictive value of 80%. In summary, the available evidence is currently insufficient to determine the role of this variant in disease. Therefore, it has been classified as a Variant of Uncertain Significance.